The following is an entry in ClinVar:

ClinVar aggregate classification (germline): Uncertain significance. Review status: criteria provided, multiple submitters, no conflicts (2 of 4 stars). 5 submissions from 5 submitters: Uncertain significance (3). 2 of the submissions do not count toward it. Last evaluated 2026-05-01.

Conditions:
Primary hyperoxaluria type 3. Also called: PH III. Identifiers: Orphanet 416, Orphanet 93600, MedGen C3150878, MONDO:0013327, OMIM 613616. Disease mechanism: loss of function.

Allele frequency attached by ClinVar (database versions not stated): ExAC 0.00003; gnomAD 0.00003 and 0.00004; gnomAD exomes 0.00004 and 0.00006; TOPMed 0.00006; ESP Exome Variant Server 0.00008.
gnomAD v4.1: 70 of 1,612,540 alleles (0.0043%); highest among the groups gnomAD compares: Middle Eastern, 0.02%; no homozygotes.

Submissions (5):

CeGaT Center for Human Genetics Tuebingen
Classification: Uncertain significance. Last evaluated: 2026-05-01. Review status: criteria provided, single submitter. Criteria: CeGaT Center For Human Genetics Tuebingen Variant Classification Criteria Version 2. Collection method: clinical testing. Allele origin: germline. Affected: yes. Observed: 1 variant allele.
Comment: HOGA1: PM2, BP4

Fulgent Genetics
Classification: Uncertain significance for Primary hyperoxaluria type 3. Last evaluated: 2022-04-05. Review status: criteria provided, single submitter. Criteria: ACMG Guidelines, 2015. Collection method: clinical testing. Allele origin: unknown.

Department of Pathology and Laboratory Medicine, Sinai Health System
Classification: Uncertain significance for Primary hyperoxaluria type 3. Last evaluated: 2021-09-26. Review status: criteria provided, single submitter. Criteria: ACMG Guidelines, 2015. Collection method: research. Allele origin: germline.

Counsyl
Classification: Uncertain significance for Primary hyperoxaluria type 3. Last evaluated: 2016-12-23. Review status: no assertion criteria provided. Collection method: clinical testing. Allele origin: unknown. Not counted in ClinVar's aggregate classification.

Clinical Biochemistry Laboratory, Health Services Laboratory
Classification: Uncertain significance for Primary hyperoxaluria, type III. Last evaluated: 2014-11-27. Review status: no assertion criteria provided. Collection method: in vitro. Allele origin: germline. Affected: yes. Not counted in ClinVar's aggregate classification.
Comment: Predicted tolerated (Sift/polyphen)

Literature cited by the submitters: PubMed 21896830 (cited by Counsyl).

NM_138413.4(HOGA1):c.745C>G (p.Gln249Glu)

Gene: HOGA1 (4-hydroxy-2-oxoglutarate aldolase 1; plus strand). Cytogenetic location: 10q24.2.
Variant type: single nucleotide variant.
Coding change: c.745C>G on transcript NM_138413.4 (MANE Select); coding-DNA position 745, C replaced by G.
Protein change: p.Gln249Glu; replaces glutamine 249 with glutamic acid.
Molecular consequence: missense variant.
Genome position (GRCh38, 1-based): chr10:97,601,901, C>G. VCF-style: chr10-97601901-C-G. GRCh37 (hg19) VCF-style: chr10-99361658-C-G.
Other names: c.256C>G, p.Gln86Glu (NM_001134670.2); short protein forms Q249E, Q86E.
Identifiers: ClinVar variation 204261 (VCV000204261.7), dbSNP rs368276974, ClinGen allele CA203930.
Genomic context (GRCh38, chr10:97,601,901, plus strand): 5'-GTCTTACTTCGTGCAGGAGCTGTGGGGGGCGTCTGCGCCCTGGCCAATGTCCTGGGGGCT[C>G]AGGTGTGCCAGCTGGAGCGACTGTGCTGCACGGGGCAATGGGAAGATGCCCAGAAACTGC-3'
Protein context (NP_612422.2, residues 239-259): VCALANVLGA[Gln249Glu]VCQLERLCCT